The following is an entry in ClinVar:

NM_138386.3(NAF1):c.1036G>A (p.Glu346Lys)

Gene: NAF1 (nuclear assembly factor 1 ribonucleoprotein; minus strand). Cytogenetic location: 4q32.2.
Variant type: single nucleotide variant.
Coding change: c.1036G>A on transcript NM_138386.3 (MANE Select); coding-DNA position 1036, G replaced by A.
Protein change: p.Glu346Lys; replaces glutamic acid 346 with lysine.
Molecular consequence: missense variant. On other transcripts: intron variant (1).
Genome position (GRCh38, 1-based): chr4:163,129,346, C>T on the plus strand (G>A on the coding strand, the complement: NAF1 is on the minus strand). VCF-style: chr4-163129346-C-T. GRCh37 (hg19) VCF-style: chr4-164050498-C-T.
Other names: c.1034-2231G>A (NM_001128931.2); short protein forms E346K.
Identifiers: ClinVar variation 1946408 (VCV001946408.5), dbSNP rs1384711416, ClinGen allele CA358663484.

ClinVar aggregate classification (germline): Uncertain significance (1 of 4 stars; one submission).

Allele frequency attached by ClinVar (database versions not stated): gnomAD exomes 0.00002; TOPMed 0.00002; gnomAD 0.00003.
gnomAD v4.1: 33 of 1,600,368 alleles (0.0021%); highest among the groups gnomAD compares: Non-Finnish European, 0.0028%; no homozygotes.

Submission:

Labcorp Genetics (formerly Invitae), Labcorp
Classification: Uncertain significance. Last evaluated: 2024-11-22. Review status: criteria provided, single submitter. Criteria: Invitae Variant Classification Sherloc (09022015). Collection method: clinical testing. Allele origin: germline.
Comment: This sequence change replaces glutamic acid, which is acidic and polar, with lysine, which is basic and polar, at codon 346 of the NAF1 protein (p.Glu346Lys). This variant is present in population databases (no rsID available, gnomAD 0.002%). This variant has not been reported in the literature in individuals affected with NAF1-related conditions. ClinVar contains an entry for this variant (Variation ID: 1946408). An algorithm developed to predict the effect of missense changes on protein structure and function (PolyPhen-2) suggests that this variant is likely to be tolerated. In summary, the available evidence is currently insufficient to determine the role of this variant in disease. Therefore, it has been classified as a Variant of Uncertain Significance.